The following is an entry in ClinVar:

NM_205850.3(SLC24A5):c.989G>A (p.Trp330Ter)

Genes: MYEF2 (myelin expression factor 2; minus strand), SLC24A5 (solute carrier family 24 member 5; plus strand). Cytogenetic location: 15q21.1.
Variant type: single nucleotide variant.
Coding change: c.989G>A on transcript NM_205850.3 (MANE Select); coding-DNA position 989, G replaced by A.
Protein change: p.Trp330Ter; replaces tryptophan 330 with a stop codon.
Molecular consequence: nonsense. On other transcripts: 3 prime UTR variant (2).
Genome position (GRCh38, 1-based): chr15:48,139,086, G>A. VCF-style: chr15-48139086-G-A. GRCh37 (hg19) VCF-style: chr15-48431283-G-A.
Other names: c.*3822C>T (NM_001301210.2, NM_016132.5); short protein forms W330*.
Identifiers: ClinVar variation 985686 (VCV000985686.9), dbSNP rs753732275, ClinGen allele CA7546023.

ClinVar aggregate classification (germline): Pathogenic. Review status: criteria provided, multiple submitters, no conflicts (2 of 4 stars). 4 submissions from 4 submitters: Pathogenic (4). Last evaluated 2026-02-17.

Conditions:
SLC24A5-related disorder. Also called: SLC24A5-related condition.
Inborn genetic diseases. Identifiers: MedGen C0950123, MeSH D030342.

Allele frequency attached by ClinVar (database versions not stated): TOPMed 0.00004; gnomAD 0.00005; gnomAD exomes 0.00011 and 0.00016; ExAC 0.00017.
gnomAD v4.1: 237 of 1,612,802 alleles (0.015%); highest among the groups gnomAD compares: Non-Finnish European, 0.02%; no homozygotes.

Submissions (4):

PreventionGenetics, part of Exact Sciences
Classification: Pathogenic for SLC24A5-related condition. Last evaluated: 2026-02-17. Review status: criteria provided, single submitter. Criteria: ACMG Guidelines, 2015. Collection method: clinical testing. Allele origin: germline.
Comment: The SLC24A5 c.989G>A variant is predicted to result in premature protein termination (p.Trp330*). This variant has been reported in the compound heterozygous state in individuals with oculocutaneous albinism and unspecified retinal disease (Morice-Picard et al. 2014. PubMed ID: 23985994; Table S1, Lin et al. 2024. PubMed ID: 38219857). This variant is reported in 0.023% of alleles in individuals of European (Non-Finnish) descent in gnomAD. Nonsense variants in SLC24A5 are an established mechanism of disease. This variant is interpreted as pathogenic.

Labcorp Genetics (formerly Invitae), Labcorp
Classification: Pathogenic. Last evaluated: 2025-04-22. Review status: criteria provided, single submitter. Criteria: Invitae Variant Classification Sherloc (09022015). Collection method: clinical testing. Allele origin: germline.
Comment: This sequence change creates a premature translational stop signal (p.Trp330*) in the SLC24A5 gene. It is expected to result in an absent or disrupted protein product. Loss-of-function variants in SLC24A5 are known to be pathogenic (PMID: 23985994, 26686029). This variant is present in population databases (rs753732275, gnomAD 0.02%). This premature translational stop signal has been observed in individual(s) with oculocutaneous albinism (PMID: 23985994). ClinVar contains an entry for this variant (Variation ID: 985686). Algorithms developed to predict the effect of sequence changes on RNA splicing suggest that this variant may disrupt the consensus splice site. For these reasons, this variant has been classified as Pathogenic.

Blueprint Genetics
Classification: Pathogenic for SLC24A5-related disorders. Last evaluated: 2024-10-25. Review status: criteria provided, single submitter. Criteria: ACMG Guidelines, 2015. Collection method: clinical testing. Allele origin: germline. Affected: yes. Observed: 5 variant alleles.

Ambry Genetics
Classification: Pathogenic for Inborn genetic diseases. Last evaluated: 2022-08-02. Review status: criteria provided, single submitter. Criteria: Ambry Variant Classification Scheme 2023. Collection method: clinical testing. Allele origin: germline.
Comment: The c.989G>A (p.W330*) alteration, located in coding exon 7 of the SLC24A5 gene, consists of a G to A substitution at nucleotide position 989. This changes the amino acid from a tryptophan (W) to a stop codon at amino acid position 330. This alteration is expected to result in loss of function by premature protein truncation or nonsense-mediated mRNA decay. Based on data from gnomAD, the A allele has an overall frequency of 0.01% (30/281928) total alleles studied. The highest observed frequency was 0.02% (29/128426) of European (non-Finnish) alleles. This alteration has been reported in trans with a second alteration in SLC24A5 in a patient with reduced visual acuity, nystagmus, iris transillumination, foveal hypoplasia, retinal hypopigmentation, and white platinum hair (Morice-Picard, 2014). Based on the available evidence, this alteration is classified as pathogenic.

Literature cited by the submitters: PubMed 23985994 (cited by Labcorp Genetics (formerly Invitae), Labcorp and Ambry Genetics); PubMed 26686029 (cited by Labcorp Genetics (formerly Invitae), Labcorp).